The following is an entry in ClinVar:

NM_015214.3(DDHD2):c.1803del (p.Phe601fs)

Gene: DDHD2 (DDHD domain containing 2; plus strand). Cytogenetic location: 8p11.23.
Variant type: Deletion.
Coding change: c.1803del on transcript NM_015214.3 (MANE Select); coding-DNA position 1803, one base deleted (T; older notation c.1803delT).
Protein change: p.Phe601fs; shifts the reading frame from phenylalanine 601.
Molecular consequence: frameshift variant. On other transcripts: non-coding transcript variant (2).
Genome position (GRCh38, 1-based): chr8:38,253,039, T deleted; the last of 4 consecutive T bases (chr8:38,253,036-38,253,039); deleting any one gives the same sequence. VCF-style (leftmost placement, unchanged base first): chr8-38253035-CT-C. GRCh37 (hg19) VCF-style: chr8-38110553-CT-C.
Other names: c.1803del, p.Phe601fs (NM_001164232.2, NM_001362911.2, NM_001362912.2 and 1 more transcripts); c.1713del, p.Phe571fs (NM_001362913.2); short protein forms F571fs, F601fs.
Identifiers: ClinVar variation 540287 (VCV000540287.5), dbSNP rs1312739762, ClinGen allele CA658797086.

ClinVar aggregate classification (germline): Pathogenic (1 of 4 stars; one submission).

Conditions:
Hereditary spastic paraplegia 54. Also called: Spastic paraplegia 54, autosomal recessive. Identifiers: Orphanet 320380, MedGen C3539495, MONDO:0014018, OMIM 615033.

Submission:

Labcorp Genetics (formerly Invitae), Labcorp
Classification: Pathogenic for Hereditary spastic paraplegia 54. Last evaluated: 2021-04-26. Review status: criteria provided, single submitter. Criteria: Invitae Variant Classification Sherloc (09022015). Collection method: clinical testing. Allele origin: germline.
Comment: This variant has not been reported in the literature in individuals with DDHD2-related conditions. ClinVar contains an entry for this variant (Variation ID: 540287). This variant is not present in population databases (ExAC no frequency). This sequence change creates a premature translational stop signal (p.Phe601Leufs*53) in the DDHD2 gene. It is expected to result in an absent or disrupted protein product. Loss-of-function variants in DDHD2 are known to be pathogenic (PMID: 23176823, 23486545). For these reasons, this variant has been classified as Pathogenic.

Literature cited by the submitters: PubMed 23176823; PubMed 23486545.